The following is an entry in ClinVar:

ClinVar aggregate classification (germline): Uncertain significance (1 of 4 stars; one submission).

Conditions:
Hereditary spastic paraplegia 39 (SPG39). Also called: Spastic Paraplegia Type 39 (SPG39); SPASTIC PARAPLEGIA 39, AUTOSOMAL RECESSIVE. Identifiers: Orphanet 139480, MedGen C2677586, MONDO:0012787, OMIM 612020.

Submission:

Labcorp Genetics (formerly Invitae), Labcorp
Classification: Uncertain significance for Hereditary spastic paraplegia 39. Last evaluated: 2022-11-15. Review status: criteria provided, single submitter. Criteria: Invitae Variant Classification Sherloc (09022015). Collection method: clinical testing. Allele origin: germline.
Comment: In summary, the available evidence is currently insufficient to determine the role of this variant in disease. Therefore, it has been classified as a Variant of Uncertain Significance. Algorithms developed to predict the effect of sequence changes on RNA splicing suggest that this variant may create or strengthen a splice site. Advanced modeling of protein sequence and biophysical properties (such as structural, functional, and spatial information, amino acid conservation, physicochemical variation, residue mobility, and thermodynamic stability) has been performed at Invitae for this missense variant, however the output from this modeling did not meet the statistical confidence thresholds required to predict the impact of this variant on PNPLA6 protein function. ClinVar contains an entry for this variant (Variation ID: 1519129). This variant has not been reported in the literature in individuals affected with PNPLA6-related conditions. This variant is not present in population databases (gnomAD no frequency). This sequence change replaces leucine, which is neutral and non-polar, with valine, which is neutral and non-polar, at codon 856 of the PNPLA6 protein (p.Leu856Val).

NM_001166114.2(PNPLA6):c.2680C>G (p.Leu894Val)

Gene: PNPLA6 (patatin like domain 6, lysophospholipase; plus strand). Cytogenetic location: 19p13.2.
Variant type: single nucleotide variant.
Coding change: c.2680C>G on transcript NM_001166114.2 (MANE Select); coding-DNA position 2680, C replaced by G.
Protein change: p.Leu894Val; replaces leucine 894 with valine.
Molecular consequence: missense variant.
Genome position (GRCh38, 1-based): chr19:7,554,938, C>G. VCF-style: chr19-7554938-C-G. GRCh37 (hg19) VCF-style: chr19-7619824-C-G.
Other names: c.2710C>G, p.Leu904Val (NM_001166111.2); c.2485C>G, p.Leu829Val (NM_001166112.2); c.2566C>G, p.Leu856Val (NM_001166113.1, NM_006702.5); short protein forms L856V, L894V, L904V, L829V.
Identifiers: ClinVar variation 1519129 (VCV001519129.8), dbSNP rs2146102825, ClinGen allele CA403129469.
Genomic context (GRCh38, chr19:7,554,938, plus strand): 5'-GTCCGTATTCCGCAGCTGGAGCAGATGCTGGAGAACACGGCTGTGCGCGCCCTTAAGCAG[C>G]TAGTCCTGCTCCACCGAGAGGAGGGCGCGGGCCCCACGCGCACCGTGGAGTGGCTAAATA-3'
Protein context (NP_001159586.1, residues 884-904): ENTAVRALKQ[Leu894Val]VLLHREEGAG